The following is an entry in ClinVar:

ClinVar aggregate classification (germline): Likely benign (1 of 4 stars; one submission).

Allele frequency attached by ClinVar (database versions not stated): 1000 Genomes Project 0.00060; 1000 Genomes Project 30x 0.00062; TOPMed 0.00116; gnomAD 0.00124; ESP Exome Variant Server 0.00177.
gnomAD v4.1: 2,947 of 1,613,368 alleles (0.18%); highest among the groups gnomAD compares: Non-Finnish European, 0.23%; 7 homozygotes.

Submission:

CeGaT Center for Human Genetics Tuebingen
Classification: Likely benign. Last evaluated: 2023-02-01. Review status: criteria provided, single submitter. Criteria: CeGaT Center For Human Genetics Tuebingen Variant Classification Criteria Version 2. Collection method: clinical testing. Allele origin: germline. Affected: yes. Observed: 1 variant allele.
Comment: PCDHGB3: BP4, BP7

NM_018924.5(PCDHGB3):c.1839G>A (p.Glu613=)

Genes: PCDHG@ (protocadherin gamma cluster; plus strand), PCDHGA1 (protocadherin gamma subfamily A, 1; plus strand), PCDHGA2 (protocadherin gamma subfamily A, 2; plus strand), PCDHGA3 (protocadherin gamma subfamily A, 3; plus strand), PCDHGA4 (protocadherin gamma subfamily A, 4; plus strand) and 4 more. Cytogenetic location: 5q31.3.
Variant type: single nucleotide variant.
Coding change: c.1839G>A on transcript NM_018924.5 (MANE Select); coding-DNA position 1839, G replaced by A.
Protein change: p.Glu613=; no amino-acid change (glutamic acid 613 retained).
Molecular consequence: synonymous variant. On other transcripts: intron variant (7).
Genome position (GRCh38, 1-based): chr5:141,372,233, G>A. VCF-style: chr5-141372233-G-A. GRCh37 (hg19) VCF-style: chr5-140751800-G-A.
Other names: c.1839G>A, p.Glu613= (NM_032097.3); c.2421+39128G>A (NM_018912.3); c.2424+30838G>A (NM_018915.4); c.2424+25776G>A (NM_018916.4); c.2409+19564G>A (NM_018922.3); c.2514+14612G>A (NM_018917.4); c.2421+9677G>A (NM_018923.3); c.2421+5482G>A (NM_018918.3).
Identifiers: ClinVar variation 2655847 (VCV002655847.24), dbSNP rs140609729, ClinGen allele CA3470952.